The following is an entry in ClinVar:

ClinVar aggregate classification (germline): Conflicting classifications of pathogenicity. Review status: criteria provided, conflicting classifications (1 of 4 stars). 2 submissions from 2 submitters: Uncertain significance (1); Likely benign (1). Last evaluated 2025-03-22.

Conditions:
Hereditary cancer-predisposing syndrome. Also called: Neoplastic Syndromes, Hereditary; Hereditary neoplastic syndrome; Tumor predisposition; Hereditary Cancer Syndrome. Identifiers: Orphanet 140162, MedGen C0027672, MeSH D009386, MONDO:0015356.
Familial cancer of breast. Also called: hereditary breast carcinoma; BREAST CANCER, FAMILIAL; Hereditary breast cancer. Identifiers: Orphanet 227535, MedGen C0346153, MONDO:0016419, OMIM 114480. Disease mechanism: loss of function.
Fanconi anemia complementation group J. Also called: BRIP1-Related Fanconi Anemia. Identifiers: Orphanet 84, MedGen C1836860, MONDO:0012187, OMIM 609054.

gnomAD v4.1: 1 of 1,613,554 alleles (0.000062%); highest among the groups gnomAD compares: Non-Finnish European, 0.000085%; no homozygotes.

Submissions (2):

Ambry Genetics
Classification: Likely benign for Hereditary cancer-predisposing syndrome. Last evaluated: 2025-03-22. Review status: criteria provided, single submitter. Criteria: Ambry Variant Classification Scheme 2023. Collection method: clinical testing. Allele origin: germline.

Labcorp Genetics (formerly Invitae), Labcorp
Classification: Uncertain significance for Familial cancer of breast; Fanconi anemia complementation group J. Last evaluated: 2022-10-29. Review status: criteria provided, single submitter. Criteria: Invitae Variant Classification Sherloc (09022015). Collection method: clinical testing. Allele origin: germline.
Comment: This variant has not been reported in the literature in individuals affected with BRIP1-related conditions. Advanced modeling of protein sequence and biophysical properties (such as structural, functional, and spatial information, amino acid conservation, physicochemical variation, residue mobility, and thermodynamic stability) performed at Invitae indicates that this missense variant is not expected to disrupt BRIP1 protein function. In summary, the available evidence is currently insufficient to determine the role of this variant in disease. Therefore, it has been classified as a Variant of Uncertain Significance. This variant is not present in population databases (gnomAD no frequency). This sequence change replaces histidine, which is basic and polar, with glutamine, which is neutral and polar, at codon 181 of the BRIP1 protein (p.His181Gln).

NM_032043.3(BRIP1):c.543C>A (p.His181Gln)

Gene: BRIP1 (BRCA1 interacting DNA helicase 1; minus strand). Cytogenetic location: 17q23.2.
Variant type: single nucleotide variant.
Coding change: c.543C>A on transcript NM_032043.3 (MANE Select); coding-DNA position 543, C replaced by A.
Protein change: p.His181Gln; replaces histidine 181 with glutamine.
Molecular consequence: missense variant.
Genome position (GRCh38, 1-based): chr17:61,847,185, G>T on the plus strand (C>A on the coding strand, the complement: BRIP1 is on the minus strand). VCF-style: chr17-61847185-G-T. GRCh37 (hg19) VCF-style: chr17-59924546-G-T.
Other names: short protein forms H181Q.
Identifiers: ClinVar variation 2014397 (VCV002014397.5), dbSNP rs1285947952, ClinGen allele CA400483212.